The following is an entry in ClinVar:

NM_003172.4(SURF1):c.51_54+1dup

Genes: SURF1 (SURF1 cytochrome c oxidase assembly factor; minus strand), LOC130002899 (ATAC-STARR-seq lymphoblastoid silent region 20452; plus strand). Cytogenetic location: 9q34.2.
Variant type: Duplication.
Coding change: c.51_54+1dup on transcript NM_003172.4 (MANE Select); coding-DNA position 51 through the canonical splice donor site of the intron after coding-DNA position 54, 5 bases duplicated (ACGGG; older notation c.51_54+1dupACGGG).
Molecular consequence: splice donor variant.
Genome position (GRCh38, 1-based): chr9:133,356,399-133,356,403, CCCGT duplicated on the plus strand (ACGGG on the coding strand, the reverse complement: SURF1 is on the minus strand); duplicating any 5 consecutive bases within chr9:133,356,399-133,356,406 gives the same sequence; the c. name uses the placement nearest the transcript's 3' end. VCF-style (leftmost placement, unchanged base first): chr9-133356398-A-ACCCGT. GRCh37 (hg19) VCF-style: chr9-136223274-A-ACCCGT.
Other names: c.-225_-222+1dup (NM_001280787.1).
Identifiers: ClinVar variation 1683296 (VCV001683296.1), dbSNP rs2119089032, ClinGen allele CA2573144320.
Genomic context (GRCh38, chr9:133,356,398, plus strand): 5'-CGGGCTGAGCTCCGGGACCCCTCCCCGCGCCCCGCACCCCGCACCCCGCACCCGGCGCTC[A>ACCCGT]CCCGTCCCAGCCCCGCCGCCCGCAGCCCCAGCTGCAACGCAGCCACCGCCGCCATCGCAC-3'

ClinVar aggregate classification (germline): Likely pathogenic (1 of 4 stars; one submission).

Conditions:
Leigh syndrome (NULS). Also called: Leigh Syndrome (mtDNA deletion); Leigh's syndrome; Leigh Disease; LEIGH SYNDROME, NUCLEAR; Leigh's necrotizing encephalopathy; Leigh's disease. Identifiers: Orphanet 506, MedGen C2931891, MONDO:0009723, OMIM 256000.

Submission:

Women's Health and Genetics/Laboratory Corporation of America, LabCorp
Classification: Likely pathogenic for Leigh syndrome. Last evaluated: 2022-04-14. Review status: criteria provided, single submitter. Criteria: LabCorp Variant Classification Summary - May 2015. Collection method: clinical testing. Allele origin: germline.
Comment: Variant summary: SURF1 c.51_54+1dupACGGG is located in a canonical splice-site and is predicted to affect mRNA splicing resulting in a significantly altered protein due to either exon skipping, shortening, or inclusion of intronic material. Several computational tools predict a significant impact on normal splicing: Four predict the variant abolishes the canonical 5' splicing donor site. Four predict the variant creates a new 5' splice donor site. However, these predictions have yet to be confirmed by functional studies. The variant was absent in 37916 control chromosomes. To our knowledge, no occurrence of c.51_54+1dupACGGG in individuals affected with Leigh Syndrome and no experimental evidence demonstrating its impact on protein function have been reported. No clinical diagnostic laboratories have submitted clinical-significance assessments for this variant to ClinVar after 2014. Based on the evidence outlined above, the variant was classified as likely pathogenic.